The following is an entry in ClinVar:

ClinVar aggregate classification (germline): Benign. Review status: criteria provided, multiple submitters, no conflicts (2 of 4 stars). 2 submissions from 2 submitters: Benign (2). Last evaluated 2018-06-19.

Allele frequency attached by ClinVar (database versions not stated): ESP Exome Variant Server 0.08358; gnomAD 0.10030 and 0.10427; gnomAD exomes 0.10949 and 0.15100; TOPMed 0.12586; ExAC 0.13956; 1000 Genomes Project 0.14157; 1000 Genomes Project 30x 0.14163.

Submissions (2):

GeneDx
Classification: Benign. Last evaluated: 2018-06-19. Review status: criteria provided, single submitter. Criteria: GeneDx Variant Classification (06012015). Collection method: clinical testing. Allele origin: germline. Affected: yes.
Comment: This variant is considered likely benign or benign based on one or more of the following criteria: it is a conservative change, it occurs at a poorly conserved position in the protein, it is predicted to be benign by multiple in silico algorithms, and/or has population frequency not consistent with disease.

Breakthrough Genomics
Classification: Benign. Review status: criteria provided, single submitter. Criteria: ACMG Guidelines, 2015. Collection method: not provided. Allele origin: germline. Inheritance: Autosomal dominant inheritance. Affected: yes.

NM_001005373.4(LRSAM1):c.2047-39C>T

Gene: LRSAM1 (leucine rich repeat and sterile alpha motif containing 1; plus strand). Cytogenetic location: 9q34.11.
Variant type: single nucleotide variant.
Coding change: c.2047-39C>T on transcript NM_001005373.4 (MANE Select); 39 bases into the intron before coding-DNA position 2047, C replaced by T.
Molecular consequence: intron variant.
Genome position (GRCh38, 1-based): chr9:127,502,735, C>T. VCF-style: chr9-127502735-C-T. GRCh37 (hg19) VCF-style: chr9-130265014-C-T.
Other names: c.2047-39C>T (NM_138361.5, NM_001384142.1, NM_001005374.4); c.1948-39C>T (NM_001384143.1); c.1966-39C>T (NM_001190723.3); c.1258-39C>T (NM_001384144.1).
Identifiers: ClinVar variation 674027 (VCV000674027.2), dbSNP rs10987671, ClinGen allele CA5247250.